The following is an entry in ClinVar:

ClinVar aggregate classification (germline): Uncertain significance (1 of 4 stars; one submission).

Conditions:
Dilated cardiomyopathy 1O (CMD1O). Also called: CARDIOMYOPATHY, DILATED, WITH VENTRICULAR TACHYCARDIA. Identifiers: Orphanet 154, MedGen C1837839, MONDO:0012062, OMIM 608569.

Submission:

Labcorp Genetics (formerly Invitae), Labcorp
Classification: Uncertain significance for Dilated cardiomyopathy 1O. Last evaluated: 2020-02-21. Review status: criteria provided, single submitter. Criteria: Invitae Variant Classification Sherloc (09022015). Collection method: clinical testing. Allele origin: germline.
Comment: This sequence change replaces threonine with serine at codon 1167 of the ABCC9 protein (p.Thr1167Ser). The threonine residue is moderately conserved and there is a small physicochemical difference between threonine and serine. This variant is not present in population databases (ExAC no frequency). This variant has not been reported in the literature in individuals with ABCC9-related conditions. Algorithms developed to predict the effect of missense changes on protein structure and function are either unavailable or do not agree on the potential impact of this missense change (SIFT: "Tolerated"; PolyPhen-2: "Possibly Damaging"; Align-GVGD: "Class C0"). In summary, the available evidence is currently insufficient to determine the role of this variant in disease. Therefore, it has been classified as a Variant of Uncertain Significance.

NM_020297.4(ABCC9):c.3500C>G (p.Thr1167Ser)

Gene: ABCC9 (ATP binding cassette subfamily C member 9; minus strand). Cytogenetic location: 12p12.1.
Variant type: single nucleotide variant.
Coding change: c.3500C>G on transcript NM_020297.4 (MANE Select); coding-DNA position 3500, C replaced by G.
Protein change: p.Thr1167Ser; replaces threonine 1167 with serine.
Molecular consequence: missense variant.
Genome position (GRCh38, 1-based): chr12:21,838,144, G>C on the plus strand (C>G on the coding strand, the complement: ABCC9 is on the minus strand). VCF-style: chr12-21838144-G-C. GRCh37 (hg19) VCF-style: chr12-21991078-G-C.
Other names: c.3500C>G, p.Thr1167Ser (NM_001377273.1, NM_005691.4); c.2633C>G, p.Thr878Ser (NM_001377274.1); short protein forms T1167S, T878S.
Identifiers: ClinVar variation 1047190 (VCV001047190.9), dbSNP rs1944197570, ClinGen allele CA384140657.